The following is an entry in ClinVar:

ClinVar aggregate classification (germline): Uncertain significance (1 of 4 stars; one submission).

Allele frequency attached by ClinVar (database versions not stated): gnomAD 0.00001; gnomAD exomes 0.00001; TOPMed 0.00001.
gnomAD v4.1: 13 of 1,556,336 alleles (0.00084%); highest among the groups gnomAD compares: African/African-American, 0.0014%; no homozygotes.

Submission:

Labcorp Genetics (formerly Invitae), Labcorp
Classification: Uncertain significance. Last evaluated: 2023-10-13. Review status: criteria provided, single submitter. Criteria: Invitae Variant Classification Sherloc (09022015). Collection method: clinical testing. Allele origin: germline.
Comment: This sequence change replaces serine, which is neutral and polar, with glycine, which is neutral and non-polar, at codon 1278 of the RIMS1 protein (p.Ser1278Gly). This variant is not present in population databases (gnomAD no frequency). This variant has not been reported in the literature in individuals affected with RIMS1-related conditions. ClinVar contains an entry for this variant (Variation ID: 838545). An algorithm developed to predict the effect of missense changes on protein structure and function (PolyPhen-2) suggests that this variant is likely to be disruptive. In summary, the available evidence is currently insufficient to determine the role of this variant in disease. Therefore, it has been classified as a Variant of Uncertain Significance.

NM_014989.7(RIMS1):c.3832A>G (p.Ser1278Gly)

Gene: RIMS1 (regulating synaptic membrane exocytosis 1; plus strand). Cytogenetic location: 6q13.
Variant type: single nucleotide variant.
Coding change: c.3832A>G on transcript NM_014989.7 (MANE Select); coding-DNA position 3832, A replaced by G.
Protein change: p.Ser1278Gly; replaces serine 1278 with glycine.
Molecular consequence: missense variant.
Genome position (GRCh38, 1-based): chr6:72,292,028, A>G. VCF-style: chr6-72292028-A-G. GRCh37 (hg19) VCF-style: chr6-73001731-A-G.
Other names: c.1792A>G, p.Ser598Gly (NM_001168407.2, NM_001350422.2); c.1723A>G, p.Ser575Gly (NM_001168408.2, NM_001350414.2, NM_001350430.2 and 2 more transcripts); c.1552A>G, p.Ser518Gly (NM_001168409.2, NM_001350469.2); c.1750A>G, p.Ser584Gly (NM_001168410.2); c.1876A>G, p.Ser626Gly (NM_001350415.2, NM_001350445.2); c.1795A>G, p.Ser599Gly (NM_001350416.2, NM_001350417.2, NM_001350448.2); c.1798A>G, p.Ser600Gly (NM_001350418.2); c.1567A>G, p.Ser523Gly (NM_001350419.2, NM_001350423.2, NM_001350444.2); and 31 more; short protein forms S1278G, S442G, S509G, S518G, S544G, S560G, S568G, S584G.
Identifiers: ClinVar variation 838545 (VCV000838545.7), dbSNP rs1055696778, ClinGen allele CA140897786.
Genomic context (GRCh38, chr6:72,292,028, plus strand): 5'-CCAGCAGACACATCGTTCAGCAGTCGCAGGGGAAGACAGCTCCCACAAGTGCCAGTGAGA[A>G]GCGGCAGTATAGAACAAGGTATCCGATAAAGAGAGATCATTGTCCAAAAATCTTGGATTT-3'
Protein context (NP_055804.2, residues 1268-1288): GRQLPQVPVR[Ser1278Gly]GSIEQASLVV